The following is an entry in ClinVar:

ClinVar aggregate classification (germline): Uncertain significance (1 of 4 stars; one submission).

Allele frequency attached by ClinVar (database versions not stated): gnomAD 0.00001; TOPMed 0.00001.
gnomAD v4.1: 8 of 1,612,024 alleles (0.0005%); highest among the groups gnomAD compares: African/African-American, 0.0093%; no homozygotes.

Submission:

Labcorp Genetics (formerly Invitae), Labcorp
Classification: Uncertain significance. Last evaluated: 2022-06-05. Review status: criteria provided, single submitter. Criteria: Invitae Variant Classification Sherloc (09022015). Collection method: clinical testing. Allele origin: germline.
Comment: This variant is present in population databases (no rsID available, gnomAD 0.02%). This sequence change affects codon 119 of the RHO mRNA. It is a 'silent' change, meaning that it does not change the encoded amino acid sequence of the RHO protein. This variant has not been reported in the literature in individuals affected with RHO-related conditions. In summary, the available evidence is currently insufficient to determine the role of this variant in disease. Therefore, it has been classified as a Variant of Uncertain Significance. Algorithms developed to predict the effect of sequence changes on RNA splicing suggest that this variant is not likely to affect RNA splicing. ClinVar contains an entry for this variant (Variation ID: 1518664).

NM_000539.3(RHO):c.357G>A (p.Leu119=)

Gene: RHO (rhodopsin; plus strand). Cytogenetic location: 3q22.1.
Variant type: single nucleotide variant.
Coding change: c.357G>A on transcript NM_000539.3 (MANE Select); coding-DNA position 357, G replaced by A.
Protein change: p.Leu119=; no amino-acid change (leucine 119 retained).
Molecular consequence: synonymous variant.
Genome position (GRCh38, 1-based): chr3:129,529,090, G>A. VCF-style: chr3-129529090-G-A. GRCh37 (hg19) VCF-style: chr3-129247933-G-A.
Identifiers: ClinVar variation 1518664 (VCV001518664.6), dbSNP rs1476531540, ClinGen allele CA435768850.